The following is an entry in ClinVar:

NM_001349206.2(LPIN1):c.1763G>A (p.Arg588Lys)

Gene: LPIN1 (lipin 1; plus strand). Cytogenetic location: 2p25.1.
Variant type: single nucleotide variant.
Coding change: c.1763G>A on transcript NM_001349206.2 (MANE Select); coding-DNA position 1763, G replaced by A.
Protein change: p.Arg588Lys; replaces arginine 588 with lysine.
Molecular consequence: missense variant. On other transcripts: non-coding transcript variant (1).
Genome position (GRCh38, 1-based): chr2:11,791,963, G>A. VCF-style: chr2-11791963-G-A. GRCh37 (hg19) VCF-style: chr2-11932089-G-A.
Other names: c.1673G>A, p.Arg558Lys (NM_001261427.3); c.1910G>A, p.Arg637Lys (NM_001261428.3); c.1655G>A, p.Arg552Lys (NM_001349199.2, NM_145693.4); c.1733G>A, p.Arg578Lys (NM_001349200.2, NM_001349201.2); c.1760G>A, p.Arg587Lys (NM_001349202.2, NM_001349203.2); c.1763G>A, p.Arg588Lys (NM_001349204.2, NM_001349205.2); c.1853G>A, p.Arg618Lys (NM_001349207.2); c.1802G>A, p.Arg601Lys (NM_001349208.2); short protein forms R558K, R578K, R601K, R618K, R587K, R552K, R588K, R637K.
Identifiers: ClinVar variation 2180927 (VCV002180927.4), dbSNP rs1675824094, ClinGen allele CA345850212.

ClinVar aggregate classification (germline): Uncertain significance (1 of 4 stars; one submission).

Allele frequency attached by ClinVar (database versions not stated): gnomAD 0.00001; gnomAD exomes 0.00001.
gnomAD v4.1: 20 of 1,613,928 alleles (0.0012%); highest among the groups gnomAD compares: Non-Finnish European, 0.0016%; no homozygotes.

Submission:

Labcorp Genetics (formerly Invitae), Labcorp
Classification: Uncertain significance. Last evaluated: 2022-06-05. Review status: criteria provided, single submitter. Criteria: Invitae Variant Classification Sherloc (09022015). Collection method: clinical testing. Allele origin: germline.
Comment: In summary, the available evidence is currently insufficient to determine the role of this variant in disease. Therefore, it has been classified as a Variant of Uncertain Significance. Algorithms developed to predict the effect of missense changes on protein structure and function are either unavailable or do not agree on the potential impact of this missense change (SIFT: "Deleterious"; PolyPhen-2: "Possibly Damaging"; Align-GVGD: "Class C0"). This variant has not been reported in the literature in individuals affected with LPIN1-related conditions. This variant is not present in population databases (gnomAD no frequency). This sequence change replaces arginine, which is basic and polar, with lysine, which is basic and polar, at codon 552 of the LPIN1 protein (p.Arg552Lys).